The following is an entry in ClinVar:

ClinVar aggregate classification (germline): Pathogenic (1 of 4 stars; one submission).

Conditions:
Retinoblastoma (RB1). Also called: RETINOBLASTOMA, SOMATIC. Identifiers: Orphanet 790, MedGen C0035335, MeSH D012175, MONDO:0008380, OMIM 180200, HP:0009919. Disease mechanism: loss of function. Inheritance: Both sporadic and heritable forms are tested..

Submission:

Labcorp Genetics (formerly Invitae), Labcorp
Classification: Pathogenic for Retinoblastoma. Last evaluated: 2025-02-19. Review status: criteria provided, single submitter. Criteria: Invitae Variant Classification Sherloc (09022015). Collection method: clinical testing. Allele origin: germline.
Comment: This sequence change creates a premature translational stop signal (p.Gln762Argfs*3) in the RB1 gene. It is expected to result in an absent or disrupted protein product. Loss-of-function variants in RB1 are known to be pathogenic (PMID: 17096365). This variant is not present in population databases (gnomAD no frequency). This variant has not been reported in the literature in individuals affected with RB1-related conditions. Algorithms developed to predict the effect of sequence changes on RNA splicing suggest that this variant may disrupt the consensus splice site. For these reasons, this variant has been classified as Pathogenic.

Literature cited by the submitters: PubMed 17096365.

NM_000321.3(RB1):c.2285del (p.Gln762fs)

Gene: RB1 (RB transcriptional corepressor 1; plus strand). Cytogenetic location: 13q14.2.
Variant type: Deletion.
Coding change: c.2285del on transcript NM_000321.3 (MANE Select); coding-DNA position 2285, one base deleted (A; older notation c.2285delA).
Protein change: p.Gln762fs; shifts the reading frame from glutamine 762.
Molecular consequence: frameshift variant.
Genome position (GRCh38, 1-based): chr13:48,465,071, A deleted. VCF-style (leftmost placement, unchanged base first): chr13-48465070-CA-C. GRCh37 (hg19) VCF-style: chr13-49039206-CA-C.
Other names: c.2285del, p.Gln762fs (NM_001407165.1); short protein forms Q762fs.
Identifiers: ClinVar variation 4713452 (VCV004713452.1).